The following is an entry in ClinVar:

NM_001370259.2(MEN1):c.1724T>C (p.Ile575Thr)

Gene: MEN1 (menin 1; minus strand). Cytogenetic location: 11q13.1.
Variant type: single nucleotide variant.
Coding change: c.1724T>C on transcript NM_001370259.2 (MANE Select); coding-DNA position 1724, T replaced by C.
Protein change: p.Ile575Thr; replaces isoleucine 575 with threonine.
Molecular consequence: missense variant. On other transcripts: non-coding transcript variant (4).
Genome position (GRCh38, 1-based): chr11:64,804,443, A>G on the plus strand (T>C on the coding strand, the complement: MEN1 is on the minus strand). VCF-style: chr11-64804443-A-G. GRCh37 (hg19) VCF-style: chr11-64571915-A-G.
Other names: c.1739T>C, p.Ile580Thr (NM_000244.4, NM_001407145.1, NM_130800.3 and 4 more transcripts); c.1850T>C, p.Ile617Thr (NM_001370251.2, NM_001407142.1, NM_001407143.1 and 1 more transcripts); c.1724T>C, p.Ile575Thr (NM_001370260.2, NM_001370261.2, NM_001407146.1 and 2 more transcripts); c.1619T>C, p.Ile540Thr (NM_001370262.2, NM_001370263.2, NM_001407148.1 and 1 more transcripts); c.1865T>C, p.Ile622Thr (NM_001407150.1); c.1745T>C, p.Ile582Thr (NM_001407151.1); c.1559T>C, p.Ile520Thr (NM_001407152.1); short protein forms I617T, I622T, I575T, I580T, I520T, I540T, I582T.
Identifiers: ClinVar variation 2863348 (VCV002863348.3), dbSNP rs1555163128, ClinGen allele CA381177565.

ClinVar aggregate classification (germline): Uncertain significance (1 of 4 stars; one submission).

Conditions:
Multiple endocrine neoplasia, type 1 (MEN1). Also called: MEA I; MEN I; WERMER SYNDROME; Endocrine adenomatosis multiple; MEN 1. Identifiers: Orphanet 652, MedGen C0025267, MeSH D018761, MONDO:0007540, OMIM 131100.

Submission:

Labcorp Genetics (formerly Invitae), Labcorp
Classification: Uncertain significance for Multiple endocrine neoplasia, type 1. Last evaluated: 2024-05-29. Review status: criteria provided, single submitter. Criteria: Invitae Variant Classification Sherloc (09022015). Collection method: clinical testing. Allele origin: germline.
Comment: This sequence change replaces isoleucine, which is neutral and non-polar, with threonine, which is neutral and polar, at codon 575 of the MEN1 protein (p.Ile575Thr). This variant is not present in population databases (gnomAD no frequency). This variant has not been reported in the literature in individuals affected with MEN1-related conditions. Advanced modeling of protein sequence and biophysical properties (such as structural, functional, and spatial information, amino acid conservation, physicochemical variation, residue mobility, and thermodynamic stability) performed at Invitae indicates that this missense variant is expected to disrupt MEN1 protein function with a positive predictive value of 95%. In summary, the available evidence is currently insufficient to determine the role of this variant in disease. Therefore, it has been classified as a Variant of Uncertain Significance.